The following is an entry in ClinVar:

ClinVar aggregate classification (germline): Uncertain significance (1 of 4 stars; one submission).

Conditions:
Ataxia-telangiectasia syndrome (AT). Also called: AT, COMPLEMENTATION GROUP C; ATAXIA-TELANGIECTASIA, COMPLEMENTATION GROUP A; ATAXIA-TELANGIECTASIA, FRESNO VARIANT; Ataxia-telangiectasia; Ataxia-telangiectasia, complementation group D; Ataxia-telangiectasia, complementation group E. Identifiers: Orphanet 100, MedGen C0004135, MONDO:0008840, OMIM 208900.

Submission:

Labcorp Genetics (formerly Invitae), Labcorp
Classification: Uncertain significance for Ataxia-telangiectasia syndrome. Last evaluated: 2023-08-02. Review status: criteria provided, single submitter. Criteria: Invitae Variant Classification Sherloc (09022015). Collection method: clinical testing. Allele origin: germline.
Comment: This sequence change replaces lysine, which is basic and polar, with glutamic acid, which is acidic and polar, at codon 1454 of the ATM protein (p.Lys1454Glu). This variant is not present in population databases (gnomAD no frequency). This variant has not been reported in the literature in individuals affected with ATM-related conditions. An algorithm developed to predict the effect of missense changes on protein structure and function (PolyPhen-2) suggests that this variant is likely to be tolerated. In summary, the available evidence is currently insufficient to determine the role of this variant in disease. Therefore, it has been classified as a Variant of Uncertain Significance.

NM_000051.4(ATM):c.4360A>G (p.Lys1454Glu)

Gene: ATM (ATM serine/threonine kinase; plus strand). Cytogenetic location: 11q22.3.
Variant type: single nucleotide variant.
Coding change: c.4360A>G on transcript NM_000051.4 (MANE Select); coding-DNA position 4360, A replaced by G.
Protein change: p.Lys1454Glu; replaces lysine 1454 with glutamic acid.
Molecular consequence: missense variant.
Genome position (GRCh38, 1-based): chr11:108,289,725, A>G. VCF-style: chr11-108289725-A-G. GRCh37 (hg19) VCF-style: chr11-108160452-A-G.
Other names: c.4360A>G, p.Lys1454Glu (NM_001351834.2); short protein forms K1454E.
Identifiers: ClinVar variation 2976501 (VCV002976501.3), dbSNP rs2135763722, ClinGen allele CA382532041.